The following is an entry in ClinVar:

NM_023110.3(FGFR1):c.2314C>A (p.Pro772Thr)

Gene: FGFR1 (fibroblast growth factor receptor 1; minus strand). Cytogenetic location: 8p11.23.
Variant type: single nucleotide variant.
Coding change: c.2314C>A on transcript NM_023110.3 (MANE Select); coding-DNA position 2314, C replaced by A.
Protein change: p.Pro772Thr; replaces proline 772 with threonine.
Molecular consequence: missense variant. On other transcripts: intron variant (3).
Genome position (GRCh38, 1-based): chr8:38,413,783, G>T on the plus strand (C>A on the coding strand, the complement: FGFR1 is on the minus strand). VCF-style: chr8-38413783-G-T. GRCh37 (hg19) VCF-style: chr8-38271301-G-T.
Other names: c.2314C>A, p.Pro772Thr (NM_000604.2); c.2308C>A, p.Pro770Thr (NM_001174063.2, NM_001174065.2, NM_015850.4); c.2284C>A, p.Pro762Thr (NM_001174064.2); c.2047C>A, p.Pro683Thr (NM_001174066.2, NM_023105.3); c.2407C>A, p.Pro803Thr (NM_001174067.2); c.2035C>A, p.Pro679Thr (NM_001354368.2); c.2302C>A, p.Pro768Thr (NM_001410922.1); c.2041C>A, p.Pro681Thr (NM_023106.3); and 3 more; short protein forms P679T, P681T, P683T, P762T, P768T, P770T, P772T, P803T.
Identifiers: ClinVar variation 1804555 (VCV001804555.1), dbSNP rs56234888, ClinGen allele CA370727537.

ClinVar aggregate classification (germline): Uncertain significance (1 of 4 stars; one submission).

gnomAD v4.1: 1 of 1,614,082 alleles (0.000062%); highest among the groups gnomAD compares: South Asian, 0.0011%; no homozygotes.

Submission:

GeneDx
Classification: Uncertain significance. Last evaluated: 2022-06-18. Review status: criteria provided, single submitter. Criteria: GeneDx Variant Classification Process June 2021. Collection method: clinical testing. Allele origin: germline. Affected: yes.
Comment: Not observed at significant frequency in large population cohorts (gnomAD); In silico analysis supports that this missense variant has a deleterious effect on protein structure/function; Has not been previously published as pathogenic or benign to our knowledge